The following is an entry in ClinVar:

ClinVar aggregate classification (germline): Benign/Likely benign. Review status: criteria provided, multiple submitters, no conflicts (2 of 4 stars). 2 submissions from 2 submitters: Benign (1); Likely benign (1). Last evaluated 2026-05-05.

Conditions:
Colorectal cancer, hereditary nonpolyposis, type 7. Identifiers: Orphanet 144, MedGen C1858380, MONDO:0013725, OMIM 614385.

Allele frequency attached by ClinVar (database versions not stated): gnomAD exomes below 0.00001; gnomAD 0.00001; TOPMed below 0.00001.

Submissions (2):

Myriad Genetics, Inc.
Classification: Benign for Colorectal cancer, hereditary nonpolyposis, type 7. Last evaluated: 2026-05-05. Review status: criteria provided, single submitter. Criteria: Myriad Autosomal Dominant, Autosomal Recessive and X-Linked Classification Criteria (2023). Collection method: clinical testing. Allele origin: unknown.
Comment: This variant is considered benign. This variant is a silent/synonymous amino acid change and it is not expected to impact splicing.

Ambry Genetics
Classification: Likely benign. Last evaluated: 2019-10-10. Review status: criteria provided, single submitter. Criteria: Ambry Variant Classification Scheme 2023. Collection method: clinical testing. Allele origin: germline.

NM_001040108.2(MLH3):c.2754T>C (p.Asp918=)

Gene: MLH3 (mutL homolog 3; minus strand). Cytogenetic location: 14q24.3.
Variant type: single nucleotide variant.
Coding change: c.2754T>C on transcript NM_001040108.2 (MANE Select); coding-DNA position 2754, T replaced by C.
Protein change: p.Asp918=; no amino-acid change (aspartic acid 918 retained).
Molecular consequence: synonymous variant.
Genome position (GRCh38, 1-based): chr14:75,046,902, A>G on the plus strand (T>C on the coding strand, the complement: MLH3 is on the minus strand). VCF-style: chr14-75046902-A-G. GRCh37 (hg19) VCF-style: chr14-75513605-A-G.
Other names: c.2754T>C, p.Asp918= (NM_014381.3).
Identifiers: ClinVar variation 1795598 (VCV001795598.3), dbSNP rs1419375905, ClinGen allele CA487272985.